The following is an entry in ClinVar:

NM_004700.4(KCNQ4):c.799T>G (p.Phe267Val)

Gene: KCNQ4 (potassium voltage-gated channel subfamily Q member 4; plus strand). Cytogenetic location: 1p34.2.
Variant type: single nucleotide variant.
Coding change: c.799T>G on transcript NM_004700.4 (MANE Select); coding-DNA position 799, T replaced by G.
Protein change: p.Phe267Val; replaces phenylalanine 267 with valine.
Molecular consequence: missense variant.
Genome position (GRCh38, 1-based): chr1:40,819,437, T>G. VCF-style: chr1-40819437-T-G. GRCh37 (hg19) VCF-style: chr1-41285109-T-G.
Other names: c.799T>G, p.Phe267Val (NM_172163.3); short protein forms F267V.
Identifiers: ClinVar variation 1709664 (VCV001709664.2), dbSNP rs2523886777, ClinGen allele CA339895627.

ClinVar aggregate classification (germline): Uncertain significance (1 of 4 stars; one submission).

Conditions:
Autosomal dominant nonsyndromic hearing loss 2A. Also called: Autosomal dominant nonsyndromic deafness 2A; Deafness, autosomal dominant 2A; DFNA2 Nonsyndromic Hearing Loss. Identifiers: Orphanet 90635, MedGen C2677637, MONDO:0010817, OMIM 600101.

Submission:

MGZ Medical Genetics Center
Classification: Uncertain significance for Autosomal dominant nonsyndromic hearing loss 2A. Last evaluated: 2022-08-04. Review status: criteria provided, single submitter. Criteria: ACMG Guidelines, 2015. Collection method: clinical testing. Allele origin: germline. Affected: yes. Observed: 1 variant allele.
Comment: ACMG criteria applied: PM1, PM2_SUP, PP3